The following is an entry in ClinVar:

NM_001270974.2(HYDIN):c.11475C>T (p.Phe3825=)

Gene: HYDIN (HYDIN axonemal central pair apparatus protein; minus strand). Cytogenetic location: 16q22.2.
Variant type: single nucleotide variant.
Coding change: c.11475C>T on transcript NM_001270974.2 (MANE Select); coding-DNA position 11475, C replaced by T.
Protein change: p.Phe3825=; no amino-acid change (phenylalanine 3825 retained).
Molecular consequence: synonymous variant.
Genome position (GRCh38, 1-based): chr16:70,863,179, G>A on the plus strand (C>T on the coding strand, the complement: HYDIN is on the minus strand). VCF-style: chr16-70863179-G-A. GRCh37 (hg19) VCF-style: chr16-70897082-G-A.
Identifiers: ClinVar variation 2646707 (VCV002646707.24), dbSNP rs367684762, ClinGen allele CA8148995.

ClinVar aggregate classification (germline): Likely benign (1 of 4 stars; one submission).

Allele frequency attached by ClinVar (database versions not stated): 1000 Genomes Project 30x 0.00016; TOPMed 0.00021; ESP Exome Variant Server 0.00076.
gnomAD v4.1: 578 of 1,612,870 alleles (0.036%); highest among the groups gnomAD compares: Admixed American, 0.067%; no homozygotes.

Submission:

CeGaT Center for Human Genetics Tuebingen
Classification: Likely benign. Last evaluated: 2026-05-01. Review status: criteria provided, single submitter. Criteria: CeGaT Center For Human Genetics Tuebingen Variant Classification Criteria Version 2. Collection method: clinical testing. Allele origin: germline. Affected: yes. Observed: 3 variant alleles.
Comment: HYDIN: BP4, BP7